The following is an entry in ClinVar:

NM_001376.5(DYNC1H1):c.3480G>A (p.Thr1160=)

Gene: DYNC1H1 (dynein cytoplasmic 1 heavy chain 1; plus strand). Cytogenetic location: 14q32.31.
Variant type: single nucleotide variant.
Coding change: c.3480G>A on transcript NM_001376.5 (MANE Select); coding-DNA position 3480, G replaced by A.
Protein change: p.Thr1160=; no amino-acid change (threonine 1160 retained).
Molecular consequence: synonymous variant.
Genome position (GRCh38, 1-based): chr14:101,995,216, G>A. VCF-style: chr14-101995216-G-A. GRCh37 (hg19) VCF-style: chr14-102461553-G-A.
Identifiers: ClinVar variation 472528 (VCV000472528.22), dbSNP rs776275624, ClinGen allele CA7352029.
Genomic context (GRCh38, chr14:101,995,216, plus strand): 5'-GAAATACTCCCCTCTCTCTGAACAGTCCCGCCAAGAGTTGGAGCAGCACTCAGTAGACAC[G>A]GCCAGCACCTCCGATGCAGTGACCTTCATCACCTATGTGCAGTCTTTGAAACGGAAGATC-3'
Protein context (NP_001367.2, residues 1150-1170): RQELEQHSVD[Thr1160=]ASTSDAVTFI

ClinVar aggregate classification (germline): Likely benign. Review status: criteria provided, multiple submitters, no conflicts (2 of 4 stars). 5 submissions from 5 submitters: Likely benign (5). Last evaluated 2025-12-11.

Conditions:
Charcot-Marie-Tooth disease axonal type 2O. Also called: CHARCOT-MARIE-TOOTH NEUROPATHY, AXONAL, TYPE 2O; CHARCOT-MARIE-TOOTH DISEASE, AXONAL, AUTOSOMAL DOMINANT, TYPE 2O; Charcot-Marie-Tooth Neuropathy Type 2O; Charcot-Marie-Tooth disease, axonal, type 20. Identifiers: Orphanet 284232, MedGen C3280220, MONDO:0013644, OMIM 614228.
Inborn genetic diseases. Identifiers: MedGen C0950123, MeSH D030342.

Allele frequency attached by ClinVar (database versions not stated): gnomAD exomes 0.00001 and 0.00005; gnomAD 0.00002 and 0.00003; TOPMed 0.00003; ExAC 0.00007.
gnomAD v4.1: 23 of 1,614,048 alleles (0.0014%); highest among the groups gnomAD compares: Admixed American, 0.028%; no homozygotes.

Submissions (5):

Labcorp Genetics (formerly Invitae), Labcorp
Classification: Likely benign for Charcot-Marie-Tooth disease axonal type 2O. Last evaluated: 2025-12-11. Review status: criteria provided, single submitter. Criteria: Invitae Variant Classification Sherloc (09022015). Collection method: clinical testing. Allele origin: germline.

CeGaT Center for Human Genetics Tuebingen
Classification: Likely benign. Last evaluated: 2025-12-01. Review status: criteria provided, single submitter. Criteria: CeGaT Center For Human Genetics Tuebingen Variant Classification Criteria Version 2. Collection method: clinical testing. Allele origin: germline. Affected: yes. Observed: 1 variant allele.
Comment: DYNC1H1: BP4, BP7

Blueprint Genetics
Classification: Likely benign. Last evaluated: 2022-11-15. Review status: criteria provided, single submitter. Criteria: ACMG Guidelines, 2015. Collection method: clinical testing. Allele origin: germline.

GeneDx
Classification: Likely benign. Last evaluated: 2020-06-25. Review status: criteria provided, single submitter. Criteria: GeneDx Variant Classification Process June 2021. Collection method: clinical testing. Allele origin: germline. Affected: yes.

Ambry Genetics
Classification: Likely benign for Inborn genetic diseases. Last evaluated: 2016-09-19. Review status: criteria provided, single submitter. Criteria: Ambry Variant Classification Scheme 2023. Collection method: clinical testing. Allele origin: germline.